The following is an entry in ClinVar:

ClinVar aggregate classification (germline): Uncertain significance (1 of 4 stars; one submission).

Allele frequency attached by ClinVar (database versions not stated): gnomAD exomes below 0.00001; gnomAD 0.00001; TOPMed 0.00002.
gnomAD v4.1: 4 of 1,613,944 alleles (0.00025%); highest among the groups gnomAD compares: Non-Finnish European, 0.00034%; no homozygotes.

Submission:

CeGaT Center for Human Genetics Tuebingen
Classification: Uncertain significance. Last evaluated: 2022-09-01. Review status: criteria provided, single submitter. Criteria: CeGaT Center For Human Genetics Tuebingen Variant Classification Criteria Version 2. Collection method: clinical testing. Allele origin: germline. Affected: yes. Observed: 1 variant allele.
Comment: GGCX: PM2, BP4

NM_000821.7(GGCX):c.2036A>T (p.Glu679Val)

Gene: GGCX (gamma-glutamyl carboxylase; minus strand). Cytogenetic location: 2p11.2.
Variant type: single nucleotide variant.
Coding change: c.2036A>T on transcript NM_000821.7 (MANE Select); coding-DNA position 2036, A replaced by T.
Protein change: p.Glu679Val; replaces glutamic acid 679 with valine.
Molecular consequence: missense variant.
Genome position (GRCh38, 1-based): chr2:85,550,603, T>A on the plus strand (A>T on the coding strand, the complement: GGCX is on the minus strand). VCF-style: chr2-85550603-T-A. GRCh37 (hg19) VCF-style: chr2-85777726-T-A.
Other names: c.1865A>T, p.Glu622Val (NM_001142269.4); short protein forms E622V, E679V.
Identifiers: ClinVar variation 2651094 (VCV002651094.24), dbSNP rs1481814769, ClinGen allele CA347482630.
Genomic context (GRCh38, chr2:85,550,603, plus strand): 5'-TTGTGAACTTACCTGCGGCGAAAGACATAGAGCTTTCGCAACAAGAAGCGGAAGAATCGC[T>A]CATGGAAAGGAGTATTTCGCCGGCGTTCAATCTCCTGGAGCCTTTGTTGGCGTCTAAGAA-3'
Protein context (NP_000812.2, residues 669-689): IERRRNTPFH[Glu679Val]RFFRFLLRKL